The following is an entry in ClinVar:

NM_001004334.4(GPR179):c.3658G>A (p.Val1220Ile)

Gene: GPR179 (G protein-coupled receptor 179; minus strand). Cytogenetic location: 17q12.
Variant type: single nucleotide variant.
Coding change: c.3658G>A on transcript NM_001004334.4 (MANE Select); coding-DNA position 3658, G replaced by A.
Protein change: p.Val1220Ile; replaces valine 1220 with isoleucine.
Molecular consequence: missense variant.
Genome position (GRCh38, 1-based): chr17:38,329,911, C>T on the plus strand (G>A on the coding strand, the complement: GPR179 is on the minus strand). VCF-style: chr17-38329911-C-T. GRCh37 (hg19) VCF-style: chr17-36485794-C-T.
Other names: short protein forms V1220I.
Identifiers: ClinVar variation 1927711 (VCV001927711.5), dbSNP rs2037335199, ClinGen allele CA398878864.

ClinVar aggregate classification (germline): Uncertain significance (1 of 4 stars; one submission).

Allele frequency attached by ClinVar (database versions not stated): gnomAD exomes below 0.00001; TOPMed below 0.00001.

Submission:

Labcorp Genetics (formerly Invitae), Labcorp
Classification: Uncertain significance. Last evaluated: 2022-08-25. Review status: criteria provided, single submitter. Criteria: Invitae Variant Classification Sherloc (09022015). Collection method: clinical testing. Allele origin: germline.
Comment: In summary, the available evidence is currently insufficient to determine the role of this variant in disease. Therefore, it has been classified as a Variant of Uncertain Significance. Algorithms developed to predict the effect of missense changes on protein structure and function (SIFT, PolyPhen-2, Align-GVGD) all suggest that this variant is likely to be tolerated. This variant has not been reported in the literature in individuals affected with GPR179-related conditions. This variant is not present in population databases (gnomAD no frequency). This sequence change replaces valine, which is neutral and non-polar, with isoleucine, which is neutral and non-polar, at codon 1220 of the GPR179 protein (p.Val1220Ile).